The following is an entry in ClinVar:

NM_001377229.1(DISP1):c.1781C>T (p.Ser594Leu)

Gene: DISP1 (dispatched RND transporter family member 1; plus strand). Cytogenetic location: 1q41.
Variant type: single nucleotide variant.
Coding change: c.1781C>T on transcript NM_001377229.1 (MANE Select); coding-DNA position 1781, C replaced by T.
Protein change: p.Ser594Leu; replaces serine 594 with leucine.
Molecular consequence: missense variant.
Genome position (GRCh38, 1-based): chr1:223,003,178, C>T. VCF-style: chr1-223003178-C-T. GRCh37 (hg19) VCF-style: chr1-223176520-C-T.
Other names: c.1052C>T, p.Ser351Leu (NM_001350630.2); c.1781C>T, p.Ser594Leu (NM_001369594.1, NM_001377228.1, NM_032890.5); short protein forms S351L, S594L.
Identifiers: ClinVar variation 2040586 (VCV002040586.5), dbSNP rs368871472, ClinGen allele CA1409121.

ClinVar aggregate classification (germline): Uncertain significance. Review status: criteria provided, multiple submitters, no conflicts (2 of 4 stars). 2 submissions from 2 submitters: Uncertain significance (2). Last evaluated 2025-07-02.

Allele frequency attached by ClinVar (database versions not stated): gnomAD exomes 0.00002; ExAC 0.00007; gnomAD 0.00011; TOPMed 0.00020.
gnomAD v4.1: 125 of 1,614,110 alleles (0.0077%); highest among the groups gnomAD compares: East Asian, 0.04%; 2 homozygotes.

Submissions (2):

Labcorp Genetics (formerly Invitae), Labcorp
Classification: Uncertain significance. Last evaluated: 2025-07-02. Review status: criteria provided, single submitter. Criteria: Invitae Variant Classification Sherloc (09022015). Collection method: clinical testing. Allele origin: germline.
Comment: This sequence change replaces serine, which is neutral and polar, with leucine, which is neutral and non-polar, at codon 594 of the DISP1 protein (p.Ser594Leu). This variant is present in population databases (rs368871472, gnomAD 0.07%). This variant has not been reported in the literature in individuals affected with DISP1-related conditions. ClinVar contains an entry for this variant (Variation ID: 2040586). An algorithm developed to predict the effect of missense changes on protein structure and function (PolyPhen-2) suggests that this variant is likely to be tolerated. In summary, the available evidence is currently insufficient to determine the role of this variant in disease. Therefore, it has been classified as a Variant of Uncertain Significance.

Ambry Genetics
Classification: Uncertain significance. Last evaluated: 2021-12-03. Review status: criteria provided, single submitter. Criteria: Ambry Variant Classification Scheme 2023. Collection method: clinical testing. Allele origin: germline.